The following is an entry in ClinVar:

ClinVar aggregate classification (germline): Uncertain significance. Review status: criteria provided, multiple submitters, no conflicts (2 of 4 stars). 3 submissions from 3 submitters: Uncertain significance (3). Last evaluated 2025-12-29.

Conditions:
Inborn genetic diseases. Identifiers: MedGen C0950123, MeSH D030342.
Deafness-lymphedema-leukemia syndrome. Also called: Lymphedema, primary, with myelodysplasia; Emberger syndrome. Identifiers: Orphanet 3226, MedGen C3279664, MONDO:0013540, OMIM 614038.
Monocytopenia with susceptibility to infections. Also called: GATA2 DEFICIENCY; COMBINED IMMUNODEFICIENCY WITH SUSCEPTIBILITY TO MYCOBACTERIAL, VIRAL, AND FUNGAL INFECTIONS; Dendritic cell, monocyte, B lymphocyte, and natural killer lymphocyte deficiency; MONOCYTOPENIA AND MYCOBACTERIAL INFECTION SYNDROME; MONOCYTOPENIA WITH SUSCEPTIBILITY TO MYCOBACTERIAL, FUNGAL, AND PAPILLOMAVIRUS INFECTIONS AND MYELODYSPLASIA; IMMUNODEFICIENCY 21. Identifiers: Orphanet 228423, MedGen C3280030, MONDO:0013607, OMIM 614172.

Submissions (3):

Ambry Genetics
Classification: Uncertain significance for Inborn genetic diseases. Last evaluated: 2025-12-29. Review status: criteria provided, single submitter. Criteria: Ambry Variant Classification Scheme 2023. Collection method: clinical testing. Allele origin: germline.
Comment: The c.14_15delCCinsGG variant, located in coding exon 1 of the GATA2 gene, results from an in-frame deletion of CC and insertion of GG at nucleotide positions 14 to 15. This results in the substitution of the proline residue for an arginine residue at codon 5, an amino acid with dissimilar properties. This amino acid position is not well conserved in available vertebrate species. In addition, the in silico prediction for this alteration is inconclusive. Based on data from gnomAD, this allele has an overall frequency of 0.001% (2/202704) total alleles studied. The highest observed frequency was 0.007% (2/26792) of South Asian alleles. Based on the available evidence, the clinical significance of this variant remains unclear.

Labcorp Genetics (formerly Invitae), Labcorp
Classification: Uncertain significance for Monocytopenia with susceptibility to infections; Deafness-lymphedema-leukemia syndrome. Last evaluated: 2024-03-21. Review status: criteria provided, single submitter. Criteria: Invitae Variant Classification Sherloc (09022015). Collection method: clinical testing. Allele origin: germline.
Comment: This sequence change replaces proline, which is neutral and non-polar, with arginine, which is basic and polar, at codon 5 of the GATA2 protein (p.Pro5Arg). The frequency data for this variant in the population databases is considered unreliable, as metrics indicate poor data quality at this position in the gnomAD database. This variant has not been reported in the literature in individuals affected with GATA2-related conditions. ClinVar contains an entry for this variant (Variation ID: 1309015). An algorithm developed to predict the effect of missense changes on protein structure and function (PolyPhen-2) suggests that this variant is likely to be tolerated. In summary, the available evidence is currently insufficient to determine the role of this variant in disease. Therefore, it has been classified as a Variant of Uncertain Significance.

GeneDx
Classification: Uncertain significance. Last evaluated: 2020-07-07. Review status: criteria provided, single submitter. Criteria: GeneDx Variant Classification Process June 2021. Collection method: clinical testing. Allele origin: germline. Affected: yes.
Comment: Not observed at a significant frequency in large population cohorts (Lek et al., 2016); In silico analysis supports that this variant does not alter protein structure/function; Has not been previously published as pathogenic or benign to our knowledge

NM_032638.5(GATA2):c.14_15inv (p.Pro5Arg)

Gene: GATA2 (GATA binding protein 2; minus strand). Cytogenetic location: 3q21.3.
Variant type: Inversion.
Coding change: c.14_15inv on transcript NM_032638.5 (MANE Select).
Protein change: p.Pro5Arg; replaces proline 5 with arginine.
Molecular consequence: missense variant.
Genome position: GRCh38 VCF-style: chr3-128487017-GG-CC. GRCh37 (hg19) VCF-style: chr3-128205860-GG-CC.
Other names: c.14_15inv, p.Pro5Arg (NM_001145661.2, NM_001145662.1); c.14_15delCCinsGG (NM_032638.4); short protein forms P5R.
Identifiers: ClinVar variation 1309015 (VCV001309015.5), ClinGen allele CA2573052073.